The following is an entry in ClinVar:

ClinVar aggregate classification (germline): Uncertain significance (1 of 4 stars; one submission).

Conditions:
Inborn genetic diseases. Identifiers: MedGen C0950123, MeSH D030342.

Submission:

Ambry Genetics
Classification: Uncertain significance for Inborn genetic diseases. Last evaluated: 2024-11-28. Review status: criteria provided, single submitter. Criteria: Ambry Variant Classification Scheme 2023. Collection method: clinical testing. Allele origin: germline.
Comment: The p.P8R variant (also known as c.23C>G), located in coding exon 1 of the SH2B3 gene, results from a C to G substitution at nucleotide position 23. The proline at codon 8 is replaced by arginine, an amino acid with dissimilar properties. This amino acid position is conserved. In addition, this alteration is predicted to be tolerated by in silico analysis. Based on the available evidence, the clinical significance of this variant remains unclear.

NM_005475.3(SH2B3):c.23C>G (p.Pro8Arg)

Gene: SH2B3 (SH2B adaptor protein 3; plus strand). Cytogenetic location: 12q24.12.
Variant type: single nucleotide variant.
Coding change: c.23C>G on transcript NM_005475.3 (MANE Select); coding-DNA position 23, C replaced by G.
Protein change: p.Pro8Arg; replaces proline 8 with arginine.
Molecular consequence: missense variant.
Genome position (GRCh38, 1-based): chr12:111,418,168, C>G. VCF-style: chr12-111418168-C-G. GRCh37 (hg19) VCF-style: chr12-111855972-C-G.
Other names: short protein forms P8R.
Identifiers: ClinVar variation 3440806 (VCV003440806.1).